The following is an entry in ClinVar:

NM_170784.3(MKKS):c.1051T>C (p.Cys351Arg)

Gene: MKKS (MKKS centrosomal shuttling protein; minus strand). Cytogenetic location: 20p12.2.
Variant type: single nucleotide variant.
Coding change: c.1051T>C on transcript NM_170784.3 (MANE Select); coding-DNA position 1051, T replaced by C.
Protein change: p.Cys351Arg; replaces cysteine 351 with arginine.
Molecular consequence: missense variant. On other transcripts: non-coding transcript variant (1).
Genome position (GRCh38, 1-based): chr20:10,408,738, A>G on the plus strand (T>C on the coding strand, the complement: MKKS is on the minus strand). VCF-style: chr20-10408738-A-G. GRCh37 (hg19) VCF-style: chr20-10389386-A-G.
Other names: c.1051T>C, p.Cys351Arg (NM_018848.3); short protein forms C351R.
Identifiers: ClinVar variation 3587037 (VCV003587037.2).

ClinVar aggregate classification (germline): Uncertain significance. Review status: criteria provided, multiple submitters, no conflicts (2 of 4 stars). 2 submissions from 2 submitters: Uncertain significance (2). Last evaluated 2026-08-28.

Conditions:
McKusick-Kaufman syndrome (MKKS). Also called: HYDROMETROCOLPOS SYNDROME; HYDROMETROCOLPOS, POSTAXIAL POLYDACTYLY, AND CONGENITAL HEART MALFORMATION. Identifiers: Orphanet 2473, MedGen C0948368, MONDO:0009367, OMIM 236700.
Bardet-Biedl syndrome 6 (BBS6). Identifiers: Orphanet 110, MedGen C1858054, MONDO:0011523, OMIM 605231.
MKKS-related disorder. Also called: MKKS-related condition; MKKS-related disorders.

gnomAD v4.1: 1 of 1,613,908 alleles (0.000062%); highest among the groups gnomAD compares: African/African-American, 0.0013%; no homozygotes.

Submissions (2):

PreventionGenetics, part of Exact Sciences
Classification: Uncertain significance for MKKS-related condition. Last evaluated: 2026-08-28. Review status: criteria provided, single submitter. Criteria: ACMG Guidelines, 2015. Collection method: clinical testing. Allele origin: germline.
Comment: The MKKS c.1051T>C variant is predicted to result in the amino acid substitution p.Cys351Arg. To our knowledge, this variant has not been reported in the literature. This variant is reported in 0.0062% of alleles in individuals of African descent in gnomAD. At this time, the clinical significance of this variant is uncertain due to the absence of conclusive functional and genetic evidence.

Fulgent Genetics
Classification: Uncertain significance for McKusick-Kaufman syndrome; Bardet-Biedl syndrome 6. Last evaluated: 2024-05-24. Review status: criteria provided, single submitter. Criteria: ACMG Guidelines, 2015. Collection method: clinical testing. Allele origin: germline.